The following is an entry in ClinVar:

ClinVar aggregate classification (germline): Likely benign. Review status: criteria provided, multiple submitters, no conflicts (2 of 4 stars). 2 submissions from 2 submitters: Likely benign (2). Last evaluated 2026-06-01.

gnomAD v4.1: 986 of 1,608,270 alleles (0.061%); highest among the groups gnomAD compares: South Asian, 1%; 8 homozygotes.

Submissions (2):

CeGaT Center for Human Genetics Tuebingen
Classification: Likely benign. Last evaluated: 2026-06-01. Review status: criteria provided, single submitter. Criteria: CeGaT Center For Human Genetics Tuebingen Variant Classification Criteria Version 2. Collection method: clinical testing. Allele origin: germline. Affected: yes. Observed: 1 variant allele.
Comment: TIAM1: BP4, BP7, BS1

Blueprint Genetics
Classification: Likely benign. Last evaluated: 2024-11-13. Review status: criteria provided, single submitter. Criteria: ACMG Guidelines, 2015. Collection method: clinical testing. Allele origin: germline.

NM_001353694.2(TIAM1):c.27A>G (p.Val9=)

Gene: TIAM1 (TIAM Rac1 associated GEF 1; minus strand). Cytogenetic location: 21q22.11.
Variant type: single nucleotide variant.
Coding change: c.27A>G on transcript NM_001353694.2 (MANE Select); coding-DNA position 27, A replaced by G.
Protein change: p.Val9=; no amino-acid change (valine 9 retained).
Molecular consequence: synonymous variant.
Genome position (GRCh38, 1-based): chr21:31,266,946, T>C on the plus strand (A>G on the coding strand, the complement: TIAM1 is on the minus strand). VCF-style: chr21-31266946-T-C. GRCh37 (hg19) VCF-style: chr21-32639262-T-C.
Other names: c.27A>G, p.Val9= (NM_003253.3, NM_001353686.2, NM_001353687.2 and 6 more transcripts).
Identifiers: ClinVar variation 4946015 (VCV004946015.2).